The following is an entry in ClinVar:

NM_031885.5(BBS2):c.116A>G (p.Lys39Arg)

Gene: BBS2 (Bardet-Biedl syndrome 2; minus strand). Cytogenetic location: 16q13.
Variant type: single nucleotide variant.
Coding change: c.116A>G on transcript NM_031885.5 (MANE Select); coding-DNA position 116, A replaced by G.
Protein change: p.Lys39Arg; replaces lysine 39 with arginine.
Molecular consequence: missense variant. On other transcripts: non-coding transcript variant (5).
Genome position (GRCh38, 1-based): chr16:56,519,747, T>C on the plus strand (A>G on the coding strand, the complement: BBS2 is on the minus strand). VCF-style: chr16-56519747-T-C. GRCh37 (hg19) VCF-style: chr16-56553659-T-C.
Other names: c.116A>G (NM_031885.3); c.116A>G, p.Lys39Arg (NM_001377456.1); short protein forms K39R.
Identifiers: ClinVar variation 1064332 (VCV001064332.10), dbSNP rs779677560, ClinGen allele CA8066137.
Genomic context (GRCh38, chr16:56,519,747, plus strand): 5'-GCCGGCGGAGATCCTGTGGTTCCCTGGGGCCCGGGCTCCCTGCGGGTGGGAGCGGTTACC[T>C]TGCCCGTTTGGGTGGCGGCCGCCAGGCACGGGTGAGTCCCGTCGTAGCGCCCTATGGCCA-3'
Protein context (NP_114091.4, residues 29-49): PCLAAATQTG[Lys39Arg]VFIHNPHTRN

ClinVar aggregate classification (germline): Conflicting classifications of pathogenicity. Review status: criteria provided, conflicting classifications (1 of 4 stars). 5 submissions from 5 submitters: Likely pathogenic (1); Uncertain significance (4). Last evaluated 2026-03-02.

Conditions:
BBS2-related ciliopathy. Identifiers: MedGen CN378634, MONDO:1040048.
Retinitis pigmentosa 74 (RP74). Identifiers: Orphanet 791, MedGen C4225281, MONDO:0014692, OMIM 616562.
Bardet-Biedl syndrome 2 (BBS2). Identifiers: Orphanet 110, MedGen C2936863, MONDO:0014432, OMIM 615981.
BBS2-related disorder. Also called: BBS2-related disorders; BBS2-related condition. Identifiers: MedGen CN239228.
Bardet-Biedl syndrome (BBS). Identifiers: Orphanet 110, MedGen C0752166, MONDO:0015229.

Allele frequency attached by ClinVar (database versions not stated): gnomAD exomes below 0.00001 and 0.00001; gnomAD 0.00001; ExAC 0.00002; TOPMed 0.00002.
gnomAD v4.1: 6 of 1,612,408 alleles (0.00037%); highest among the groups gnomAD compares: African/African-American, 0.004%; no homozygotes.

Submissions (5):

Myriad Genetics, Inc.
Classification: Uncertain significance for BBS2-related ciliopathy. Last evaluated: 2026-03-02. Review status: criteria provided, single submitter. Criteria: Myriad Autosomal Dominant, Autosomal Recessive and X-Linked Classification Criteria (2023). Collection method: clinical testing. Allele origin: unknown.
Comment: NM_031885.3(BBS2):c.116A>G(K39R) is a missense variant classified as a variant of uncertain significance in the context of Bardet-Biedl syndrome, BBS2-related. K39R has been observed in cases with relevant disease (PMID: 32349990, 33046855). Relevant functional assessments of this variant are not available in the literature. K39R has been observed in referenced population frequency databases. In summary, there is insufficient evidence to classify NM_031885.3(BBS2):c.116A>G(K39R) as pathogenic or benign. Please note: this variant was assessed in the context of healthy population screening.

Victorian Clinical Genetics Services, Murdoch Childrens Research Institute
Classification: Likely pathogenic for Bardet-Biedl syndrome 2. Last evaluated: 2025-01-14. Review status: criteria provided, single submitter. Criteria: ACMG Guidelines, 2015. Collection method: clinical testing. Allele origin: germline. Affected: yes.
Comment: This variant is classified as Likely pathogenic. Evidence in support of pathogenic classification: Variant is present in gnomAD <0.01 for a recessive condition (v4: 6 heterozygote(s), 0 homozygote(s)) ; This variant has limited previous evidence of pathogenicity in a unrelated individual. It has also been classified as a VUS by two clinical laboratories in ClinVar. Additional information: Variant is predicted to result in a missense amino acid change from lysine to arginine; This variant is heterozygous; This gene is associated with autosomal recessive disease; No published segregation evidence has been identified for this variant; No published functional evidence has been identified for this variant; Another missense variant comparable to the one identified in this case has inconclusive previous evidence for pathogenicity. An alternative missense variant p.(Lys39Gln) has been classified as a VUS by a clinical laboratory in ClinVar; Variant is located in the annotated BBS2 N-terminal domain (DECIPHER) - Missense variant with inconclusive in silico prediction and uninformative conservation; Loss of function is a known mechanism of disease in this gene and is associated with Bardet-Biedl syndrome 2 (MIM#615981); Inheritance information for this variant is not currently available in this individual.

PreventionGenetics, part of Exact Sciences
Classification: Uncertain significance for BBS2-related condition. Last evaluated: 2024-12-01. Review status: criteria provided, single submitter. Criteria: ACMG Guidelines, 2015. Collection method: clinical testing. Allele origin: germline.
Comment: The BBS2 c.116A>G variant is predicted to result in the amino acid substitution p.Lys39Arg. This variant has been reported in the homozygous state in a patient with severe childhood obesity (Saeed et al 2020. PubMed ID: 32349990). This variant is reported in 0.0063% of alleles in individuals of African descent in gnomAD. At this time, the clinical significance of this variant is uncertain due to the absence of conclusive functional and genetic evidence.

Labcorp Genetics (formerly Invitae), Labcorp
Classification: Uncertain significance for Bardet-Biedl syndrome. Last evaluated: 2022-08-12. Review status: criteria provided, single submitter. Criteria: Invitae Variant Classification Sherloc (09022015). Collection method: clinical testing. Allele origin: germline.
Comment: This sequence change replaces lysine, which is basic and polar, with arginine, which is basic and polar, at codon 39 of the BBS2 protein (p.Lys39Arg). This variant is present in population databases (rs779677560, gnomAD 0.007%). This missense change has been observed in individual(s) with BBS2-related conditions (PMID: 32349990). ClinVar contains an entry for this variant (Variation ID: 1064332). Algorithms developed to predict the effect of missense changes on protein structure and function are either unavailable or do not agree on the potential impact of this missense change (SIFT: "Tolerated"; PolyPhen-2: "Probably Damaging"; Align-GVGD: "Class C0"). Algorithms developed to predict the effect of sequence changes on RNA splicing suggest that this variant may disrupt the consensus splice site. In summary, the available evidence is currently insufficient to determine the role of this variant in disease. Therefore, it has been classified as a Variant of Uncertain Significance.

Fulgent Genetics
Classification: Uncertain significance for Bardet-Biedl syndrome 2; Retinitis pigmentosa 74. Last evaluated: 2021-12-22. Review status: criteria provided, single submitter. Criteria: ACMG Guidelines, 2015. Collection method: clinical testing. Allele origin: unknown.

Literature cited by the submitters: PubMed 32349990 (cited by 3 submitters); PubMed 33046855 (cited by Myriad Genetics, Inc.).